The following is an entry in ClinVar:

ClinVar aggregate classification (germline): Uncertain significance (1 of 4 stars; one submission).

Conditions:
Coffin-Siris syndrome 6. Identifiers: MedGen C4540499, MONDO:0033492, OMIM 617808.

Allele frequency attached by ClinVar (database versions not stated): gnomAD exomes below 0.00001.
gnomAD v4.1: 2 of 1,614,158 alleles (0.00012%); highest among the groups gnomAD compares: African/African-American, 0.0027%; no homozygotes.

Submission:

Baylor Genetics
Classification: Uncertain significance for Coffin-Siris syndrome 6. Last evaluated: 2018-03-27. Review status: criteria provided, single submitter. Criteria: ACMG Guidelines, 2015. Collection method: clinical testing. Allele origin: maternal. Affected: yes.
Comment: This variant was determined to be of uncertain significance according to ACMG Guidelines, 2015 [PMID:25741868].

NM_152641.4(ARID2):c.3694A>G (p.Thr1232Ala)

Gene: ARID2 (AT-rich interaction domain 2; plus strand). Cytogenetic location: 12q12.
Variant type: single nucleotide variant.
Coding change: c.3694A>G on transcript NM_152641.4 (MANE Select); coding-DNA position 3694, A replaced by G.
Protein change: p.Thr1232Ala; replaces threonine 1232 with alanine.
Molecular consequence: missense variant.
Genome position (GRCh38, 1-based): chr12:45,851,817, A>G. VCF-style: chr12-45851817-A-G. GRCh37 (hg19) VCF-style: chr12-46245600-A-G.
Other names: c.3694A>G, p.Thr1232Ala (NM_001347839.2); short protein forms T1232A.
Identifiers: ClinVar variation 1034325 (VCV001034325.1), dbSNP rs1943556259, ClinGen allele CA384487634.
Genomic context (GRCh38, chr12:45,851,817, plus strand): 5'-CTTCCAGTACAAACGCTTCCAGCCACTCAAGCATCTCCTGCTGGACAATCATCATGTACT[A>G]CTGCTACTCCCCCATTCAAAGGTGATAAAATAATTTGCCAAAAGGAGGAGGAAGCAAAGG-3'
Protein context (NP_689854.2, residues 1222-1242): ASPAGQSSCT[Thr1232Ala]ATPPFKGDKI